The following is an entry in ClinVar:

ClinVar aggregate classification (germline): no classifications from unflagged records (0 of 4 stars; one submission).

Conditions:
Hyper-IgE recurrent infection syndrome 5, autosomal recessive. Also called: HYPER-IgE SYNDROME 5, AUTOSOMAL RECESSIVE, WITH RECURRENT INFECTIONS. Identifiers: MedGen C5394550, MONDO:0030069, OMIM 618944.

Submission:

OMIM
Classification: Pathogenic for HYPER-IgE SYNDROME 5, AUTOSOMAL RECESSIVE, WITH RECURRENT INFECTIONS. Last evaluated: 2023-10-05. Review status: flagged submission. Collection method: literature only. Allele origin: germline.
ClinVar note: Notes: Flagging candidate with reason of insufficient supporting evidence. This gene has been classified as having a limited gene-disease relationship by a ClinGen Expert Panel.
ClinVar note: Reason: P/LP classification for a variant in a gene with insufficient evidence for a gene-disease relationship

Literature cited by the submitters: PubMed 31235509.

NM_000565.4(IL6R):c.836T>A (p.Ile279Asn)

Gene: IL6R (interleukin 6 receptor; plus strand). Cytogenetic location: 1q21.3.
Variant type: single nucleotide variant.
Coding change: c.836T>A on transcript NM_000565.4 (MANE Select); coding-DNA position 836, T replaced by A.
Protein change: p.Ile279Asn; replaces isoleucine 279 with asparagine.
Molecular consequence: missense variant.
Genome position (GRCh38, 1-based): chr1:154,435,997, T>A. VCF-style: chr1-154435997-T-A. GRCh37 (hg19) VCF-style: chr1-154408473-T-A.
Other names: c.836T>A, p.Ile279Asn (NM_001206866.2, NM_001382769.1, NM_001382770.1 and 3 more transcripts); c.830T>A, p.Ile277Asn (NM_001382772.1); c.476T>A, p.Ile159Asn (NM_001382774.1); short protein forms I279N, I277N, I159N.
Identifiers: ClinVar variation 973503 (VCV000973503.2), dbSNP rs1689606931, ClinGen allele CA342615047.
Genomic context (GRCh38, chr1:154,435,997, plus strand): 5'-CCTCCCCAGAGTCACCGTGCCCCCGCCCTCAGGTCAAGGACCTCCAGCATCACTGTGTCA[T>A]CCACGACGCCTGGAGCGGCCTGAGGCACGTGGTGCAGCTTCGTGCCCAGGAGGAGTTCGG-3'
Protein context (NP_000556.1, residues 269-289): MVKDLQHHCV[Ile279Asn]HDAWSGLRHV